The following is an entry in ClinVar:

NM_006009.4(TUBA1A):c.878A>G (p.Asn293Ser)

Gene: TUBA1A (tubulin alpha 1a; minus strand). Cytogenetic location: 12q13.12.
Variant type: single nucleotide variant.
Coding change: c.878A>G on transcript NM_006009.4 (MANE Select); coding-DNA position 878, A replaced by G.
Protein change: p.Asn293Ser; replaces asparagine 293 with serine.
Molecular consequence: missense variant.
Genome position (GRCh38, 1-based): chr12:49,185,488, T>C on the plus strand (A>G on the coding strand, the complement: TUBA1A is on the minus strand). VCF-style: chr12-49185488-T-C. GRCh37 (hg19) VCF-style: chr12-49579271-T-C.
Other names: c.878A>G (NM_006009.2); c.878A>G, p.Asn293Ser (NM_001270399.2); c.773A>G, p.Asn258Ser (NM_001270400.2); short protein forms N258S, N293S.
Identifiers: ClinVar variation 957529 (VCV000957529.15), dbSNP rs1942169629, ClinGen allele CA384638897.

ClinVar aggregate classification (germline): Pathogenic/Likely pathogenic. Review status: criteria provided, multiple submitters, no conflicts (2 of 4 stars). 5 submissions from 5 submitters: Pathogenic (3); Likely pathogenic (2). Last evaluated 2026-05-06.

Conditions:
Lissencephaly type 3. Identifiers: Orphanet 102011, MedGen C1969029, MONDO:0015148.
Abnormal brainstem morphology. Identifiers: MedGen C1850601, HP:0002363.
Abnormal cortical gyration. Identifiers: MedGen C1856019, HP:0002536.
TUBA1A-related disorder. Also called: TUBA1A-related condition.

Submissions (5):

PreventionGenetics, part of Exact Sciences
Classification: Likely pathogenic for TUBA1A-related condition. Last evaluated: 2026-05-06. Review status: criteria provided, single submitter. Criteria: ACMG Guidelines, 2015. Collection method: clinical testing. Allele origin: germline.
Comment: The TUBA1A c.878A>G variant is predicted to result in the amino acid substitution p.Asn293Ser. This variant has been reported to have occurred de novo in a fetus with central nervous system anomalies (Yaron et al. 2022. PubMed ID: 35229910). This variant has not been reported in a large population database (gnomAD), indicating this variant is rare, and it is classified as pathogenic/ likely pathogenic in the ClinVar database (Variation ID: 957529). This variant is interpreted as likely pathogenic.

Labcorp Genetics (formerly Invitae), Labcorp
Classification: Likely pathogenic. Last evaluated: 2024-06-28. Review status: criteria provided, single submitter. Criteria: Invitae Variant Classification Sherloc (09022015). Collection method: clinical testing. Allele origin: germline.
Comment: This sequence change replaces asparagine, which is neutral and polar, with serine, which is neutral and polar, at codon 293 of the TUBA1A protein (p.Asn293Ser). This variant is not present in population databases (gnomAD no frequency). This missense change has been observed in individual(s) with TUBA1A-related conditions (PMID: 35229910; Invitae). In at least one individual the variant was observed to be de novo. ClinVar contains an entry for this variant (Variation ID: 957529). Advanced modeling of protein sequence and biophysical properties (such as structural, functional, and spatial information, amino acid conservation, physicochemical variation, residue mobility, and thermodynamic stability) performed at Invitae indicates that this missense variant is not expected to disrupt TUBA1A protein function with a negative predictive value of 80%. In summary, the currently available evidence indicates that the variant is pathogenic, but additional data are needed to prove that conclusively. Therefore, this variant has been classified as Likely Pathogenic.

GeneDx
Classification: Pathogenic. Last evaluated: 2024-04-23. Review status: criteria provided, single submitter. Criteria: GeneDx Variant Classification Process June 2021. Collection method: clinical testing. Allele origin: germline. Affected: yes.
Comment: Not observed at significant frequency in large population cohorts (gnomAD); Missense variants in this gene are often considered pathogenic (HGMD); In silico analysis supports that this missense variant has a deleterious effect on protein structure/function; This variant is associated with the following publications: (PMID: 35229910)

Women's Health and Genetics/Laboratory Corporation of America, LabCorp
Classification: Pathogenic for Lissencephaly type 3. Last evaluated: 2024-01-18. Review status: criteria provided, single submitter. Criteria: LabCorp Variant Classification Summary - May 2015. Collection method: clinical testing. Allele origin: germline.
Comment: Variant summary: TUBA1A c.878A>G (p.Asn293Ser) results in a conservative amino acid change in the encoded protein sequence. Four of five in-silico tools predict a benign effect of the variant on protein function. The variant was absent in 250660 control chromosomes. The available data on variant occurrences in the general population are insufficient to allow any conclusion about variant significance. c.878A>G has been reported in the literature in two de novo individuals affected with Lissencephaly Due To TUBA1A Mutation (e.g., Yaron_2022, internal data). To our knowledge, no experimental evidence demonstrating an impact on protein function has been reported. The following publication have been ascertained in the context of this evaluation (PMID: 35229910). ClinVar contains an entry for this variant (Variation ID: 957529). Based on the evidence outlined above, the variant was classified as pathogenic.

Genetics Institute, Tel Aviv Sourasky Medical Center
Classification: Pathogenic for Abnormal cortical gyration; Abnormal brainstem morphology. Last evaluated: 2021-05-12. Review status: criteria provided, single submitter. Criteria: ACMG Guidelines, 2015. Collection method: clinical testing. Allele origin: de novo. Inheritance: Autosomal dominant inheritance.

Literature cited by the submitters: PubMed 35229910 (cited by Labcorp Genetics (formerly Invitae), Labcorp and Women's Health and Genetics/Laboratory Corporation of America, LabCorp).